The following is an entry in ClinVar:

NM_004168.4(SDHA):c.1043C>T (p.Thr348Ile)

Gene: SDHA (succinate dehydrogenase complex flavoprotein subunit A; plus strand). Cytogenetic location: 5p15.33.
Variant type: single nucleotide variant.
Coding change: c.1043C>T on transcript NM_004168.4 (MANE Select); coding-DNA position 1043, C replaced by T.
Protein change: p.Thr348Ile; replaces threonine 348 with isoleucine.
Molecular consequence: missense variant.
Genome position (GRCh38, 1-based): chr5:233,624, C>T. VCF-style: chr5-233624-C-T. GRCh37 (hg19) VCF-style: chr5-233739-C-T.
Other names: c.899C>T, p.Thr300Ile (NM_001294332.2); c.1043C>T, p.Thr348Ile (NM_001330758.2); short protein forms T300I, T348I.
Identifiers: ClinVar variation 3223707 (VCV003223707.1), dbSNP rs779264373, ClinGen allele CA359012962.

ClinVar aggregate classification (germline): Uncertain significance (1 of 4 stars; one submission).

Conditions:
Hereditary cancer-predisposing syndrome. Also called: Tumor predisposition; Hereditary neoplastic syndrome; Hereditary Cancer Syndrome; Neoplastic Syndromes, Hereditary. Identifiers: Orphanet 140162, MedGen C0027672, MeSH D009386, MONDO:0015356.

Submission:

Ambry Genetics
Classification: Uncertain significance for Hereditary cancer-predisposing syndrome. Last evaluated: 2023-11-24. Review status: criteria provided, single submitter. Criteria: Ambry Variant Classification Scheme 2023. Collection method: clinical testing. Allele origin: germline.
Comment: The p.T348I variant (also known as c.1043C>T), located in coding exon 8 of the SDHA gene, results from a C to T substitution at nucleotide position 1043. The threonine at codon 348 is replaced by isoleucine, an amino acid with similar properties. This amino acid position is conserved. In addition, this alteration is predicted to be deleterious by in silico analysis. Since supporting evidence is limited at this time, the clinical significance of this alteration remains unclear.